The following is an entry in ClinVar:

NM_000307.5(POU3F4):c.967C>T (p.Arg323Cys)

Gene: POU3F4 (POU class 3 homeobox 4; plus strand). Cytogenetic location: Xq21.1.
Variant type: single nucleotide variant.
Coding change: c.967C>T on transcript NM_000307.5 (MANE Select); coding-DNA position 967, C replaced by T.
Protein change: p.Arg323Cys; replaces arginine 323 with cysteine.
Molecular consequence: missense variant.
Genome position (GRCh38, 1-based): chrX:83,509,291, C>T. VCF-style: chrX-83509291-C-T. GRCh37 (hg19) VCF-style: chrX-82764299-C-T.
Other names: short protein forms R323C.
Identifiers: ClinVar variation 164974 (VCV000164974.7), dbSNP rs104894924, ClinGen allele CA177649.

ClinVar aggregate classification (germline): Conflicting classifications of pathogenicity. Review status: criteria provided, conflicting classifications (1 of 4 stars). 3 submissions from 3 submitters: Likely pathogenic (1); Uncertain significance (2). Last evaluated 2026-07-15.

Conditions:
X-linked mixed hearing loss with perilymphatic gusher. Also called: Deafness, X-linked 2; NANCE DEAFNESS; PERILYMPHATIC GUSHER-DEAFNESS SYNDROME; Gusher syndrome; SENSORINEURAL DEAFNESS, PROFOUND, WITH OR WITHOUT A CONDUCTIVE COMPONENT, ASSOCIATED WITH A UNIQUE DEVELOPMENTAL ABNORMALITY OF THE EAR. Identifiers: Orphanet 383, MedGen C1844678, MONDO:0010576, OMIM 304400.

Submissions (3):

Institute of Medical Genetics and Applied Genomics, University Hospital Tübingen
Classification: Likely pathogenic for X-linked mixed hearing loss with perilymphatic gusher. Last evaluated: 2026-07-15. Review status: criteria provided, single submitter. Criteria: ACMG Guidelines, 2015. Collection method: clinical testing. Allele origin: germline. Inheritance: X-linked recessive inheritance. Affected: yes.

Labcorp Genetics (formerly Invitae), Labcorp
Classification: Uncertain significance. Last evaluated: 2025-07-03. Review status: criteria provided, single submitter. Criteria: Invitae Variant Classification Sherloc (09022015). Collection method: clinical testing. Allele origin: germline.
Comment: This sequence change replaces arginine, which is basic and polar, with cysteine, which is neutral and slightly polar, at codon 323 of the POU3F4 protein (p.Arg323Cys). This variant is not present in population databases (gnomAD no frequency). This missense change has been observed in individual(s) with deafness (internal data). ClinVar contains an entry for this variant (Variation ID: 164974). Invitae Evidence Modeling of protein sequence and biophysical properties (such as structural, functional, and spatial information, amino acid conservation, physicochemical variation, residue mobility, and thermodynamic stability) indicates that this missense variant is expected to disrupt POU3F4 protein function with a positive predictive value of 80%. This variant disrupts the p.Arg323 amino acid residue in POU3F4. Other variant(s) that disrupt this residue have been observed in individuals with POU3F4-related conditions (PMID: 30622556), which suggests that this may be a clinically significant amino acid residue. In summary, the available evidence is currently insufficient to determine the role of this variant in disease. Therefore, it has been classified as a Variant of Uncertain Significance.

Laboratory for Molecular Medicine, Mass General Brigham Personalized Medicine
Classification: Uncertain significance. Last evaluated: 2013-11-26. Review status: criteria provided, single submitter. Criteria: LMM Criteria. Collection method: clinical testing. Allele origin: germline. Observed: 1 variant allele.
Comment: Variant classified as Uncertain Significance - Favor Pathogenic. The Arg323Cys v ariant in POU3F4 has not been previously reported in individuals with hearing lo ss or in large population studies. However, a different variant at this positio n (Arg323Gly) has been identified in the mosaic state in one individual with X-l inked deafness (de Kok 1997). Furthermore, this variant occurs within the POU h omeodomain (amino acids 279-336) where almost all pathogenic missense variants h ave been identified. In addition, computational analyses (amino acid biochemical properties, conservation, SIFT, PolyPhen-2, AlignGVGD) suggest that this varian t may impact the protein, though this information is not predictive enough to as sume pathogenicity. In summary, the clinical significance of this variant cannot be determined with certainty at this time; however based upon the arguments des cribed above, we would lean towards a more likely pathogenic role.

Literature cited by the submitters: PubMed 30622556 (cited by Labcorp Genetics (formerly Invitae), Labcorp); PubMed 9298820 (cited by Laboratory for Molecular Medicine, Mass General Brigham Personalized Medicine).